The following is an entry in ClinVar:

ClinVar aggregate classification (germline): Pathogenic (1 of 4 stars; one submission).

Submission:

Labcorp Genetics (formerly Invitae), Labcorp
Classification: Pathogenic. Last evaluated: 2021-12-07. Review status: criteria provided, single submitter. Criteria: Invitae Variant Classification Sherloc (09022015). Collection method: clinical testing. Allele origin: germline.
Comment: For these reasons, this variant has been classified as Pathogenic. This variant has not been reported in the literature in individuals affected with ERCC8-related conditions. This variant is a gross deletion of the genomic region encompassing exon(s) 1-7 of the ERCC8 gene, which includes the initiator codon. This deletion extends beyond the assayed region for this gene and therefore may encompass additional genes. It is expected to result in an absent or disrupted protein product. Loss-of-function variants in ERCC8 are known to be pathogenic (PMID: 29572252).

Literature cited by the submitters: PubMed 29572252.

NC_000005.9:g.(?_60198259)_(60241219_?)del

Genes: ERCC8 (ERCC excision repair 8, CSA ubiquitin ligase complex subunit; minus strand), NDUFAF2 (NADH:ubiquinone oxidoreductase complex assembly factor 2; plus strand). Cytogenetic location: 5q12.1.
Variant type: Deletion.
Identifiers: ClinVar variation 2422319 (VCV002422319.4).